The following is an entry in ClinVar:

ClinVar aggregate classification (germline): Uncertain significance (1 of 4 stars; one submission).

Allele frequency attached by ClinVar (database versions not stated): TOPMed 0.00002; ESP Exome Variant Server 0.00008; gnomAD 0.00001; gnomAD exomes 0.00001.
gnomAD v4.1: 6 of 1,612,620 alleles (0.00037%); highest among the groups gnomAD compares: Non-Finnish European, 0.00051%; no homozygotes.

Submission:

Labcorp Genetics (formerly Invitae), Labcorp
Classification: Uncertain significance. Last evaluated: 2024-05-22. Review status: criteria provided, single submitter. Criteria: Invitae Variant Classification Sherloc (09022015). Collection method: clinical testing. Allele origin: germline.
Comment: This sequence change replaces threonine, which is neutral and polar, with asparagine, which is neutral and polar, at codon 460 of the LRRC8A protein (p.Thr460Asn). This variant is not present in population databases (gnomAD no frequency). This variant has not been reported in the literature in individuals affected with LRRC8A-related conditions. ClinVar contains an entry for this variant (Variation ID: 2169795). An algorithm developed to predict the effect of missense changes on protein structure and function (PolyPhen-2) suggests that this variant is likely to be disruptive. In summary, the available evidence is currently insufficient to determine the role of this variant in disease. Therefore, it has been classified as a Variant of Uncertain Significance.

NM_019594.4(LRRC8A):c.1379C>A (p.Thr460Asn)

Gene: LRRC8A (leucine rich repeat containing 8 VRAC subunit A; plus strand). Cytogenetic location: 9q34.11.
Variant type: single nucleotide variant.
Coding change: c.1379C>A on transcript NM_019594.4 (MANE Select); coding-DNA position 1379, C replaced by A.
Protein change: p.Thr460Asn; replaces threonine 460 with asparagine.
Molecular consequence: missense variant.
Genome position (GRCh38, 1-based): chr9:128,908,543, C>A. VCF-style: chr9-128908543-C-A. GRCh37 (hg19) VCF-style: chr9-131670822-C-A.
Other names: c.1379C>A, p.Thr460Asn (NM_001127244.2, NM_001127245.2); short protein forms T460N.
Identifiers: ClinVar variation 2169795 (VCV002169795.4), dbSNP rs374277407, ClinGen allele CA200415853.